The following is an entry in ClinVar:

ClinVar aggregate classification (germline): Conflicting classifications of pathogenicity. Review status: criteria provided, conflicting classifications (1 of 4 stars). 4 submissions from 4 submitters: Uncertain significance (3); Likely benign (1). Last evaluated 2025-11-24.

Conditions:
Cardiovascular phenotype. Identifiers: MedGen CN230736.
Hereditary cancer-predisposing syndrome. Also called: Hereditary Cancer Syndrome; Tumor predisposition; Neoplastic Syndromes, Hereditary; Hereditary neoplastic syndrome. Identifiers: Orphanet 140162, MedGen C0027672, MeSH D009386, MONDO:0015356.
Neurofibromatosis, type 1 (NF1). Also called: VON RECKLINGHAUSEN DISEASE; Neurofibromatosis, type I; NEUROFIBROMATOSIS, TYPE I, SOMATIC; Peripheral type neurofibromatosis. Identifiers: Orphanet 636, MedGen C0027831, MONDO:0018975, OMIM 162200. Disease mechanism: loss of function.
Neurofibromatosis-Noonan syndrome (NFNS). Also called: NEUROFIBROMATOSIS WITH NOONAN PHENOTYPE. Identifiers: Orphanet 638, MedGen C2931482, MONDO:0011035, OMIM 601321. Disease mechanism: loss of function.
Café-au-lait macules with pulmonary stenosis (WTSN). Also called: PULMONIC STENOSIS WITH CAFE-AU-LAIT SPOTS. Identifiers: MedGen C0553586, MONDO:0008672, OMIM 193520.
Neurofibromatosis, familial spinal (FSNF). Identifiers: Orphanet 636, MedGen C1834235, MONDO:0008078, OMIM 162210. Disease mechanism: loss of function.
Juvenile myelomonocytic leukemia (JMML). Also called: LEUKEMIA, JUVENILE MYELOMONOCYTIC, SOMATIC. Identifiers: Orphanet 86834, MedGen C0349639, MONDO:0011908, OMIM 607785, HP:0012209.

Allele frequency attached by ClinVar (database versions not stated): gnomAD exomes below 0.00001; ExAC 0.00001; gnomAD 0.00001; TOPMed 0.00001.

Submissions (4):

Labcorp Genetics (formerly Invitae), Labcorp
Classification: Likely benign for Neurofibromatosis, type 1. Last evaluated: 2025-11-24. Review status: criteria provided, single submitter. Criteria: Invitae Variant Classification Sherloc (09022015). Collection method: clinical testing. Allele origin: germline.

Ambry Genetics
Classification: Uncertain significance for Cardiovascular phenotype; Hereditary cancer-predisposing syndrome. Last evaluated: 2025-04-14. Review status: criteria provided, single submitter. Criteria: Ambry Variant Classification Scheme 2023. Collection method: clinical testing. Allele origin: germline.
Comment: The p.I719T variant (also known as c.2156T>C), located in coding exon 18 of the NF1 gene, results from a T to C substitution at nucleotide position 2156. The isoleucine at codon 719 is replaced by threonine, an amino acid with similar properties. This amino acid position is highly conserved in available vertebrate species. In addition, the in silico prediction for this alteration is inconclusive. Since supporting evidence is limited at this time, the clinical significance of this alteration remains unclear.

Fulgent Genetics
Classification: Uncertain significance for Neurofibromatosis, type 1; Neurofibromatosis, familial spinal; Café-au-lait macules with pulmonary stenosis; Neurofibromatosis-Noonan syndrome; Juvenile myelomonocytic leukemia. Last evaluated: 2024-01-08. Review status: criteria provided, single submitter. Criteria: ACMG Guidelines, 2015. Collection method: clinical testing. Allele origin: germline.

Genome-Nilou Lab
Classification: Uncertain significance for Neurofibromatosis, type 1. Last evaluated: 2022-03-15. Review status: criteria provided, single submitter. Criteria: ACMG Guidelines, 2015. Collection method: clinical testing. Allele origin: germline. Affected: no.

NM_001042492.3(NF1):c.2156T>C (p.Ile719Thr)

Gene: NF1 (neurofibromin 1; plus strand). Cytogenetic location: 17q11.2.
Variant type: single nucleotide variant.
Coding change: c.2156T>C on transcript NM_001042492.3 (MANE Select); coding-DNA position 2156, T replaced by C.
Protein change: p.Ile719Thr; replaces isoleucine 719 with threonine.
Molecular consequence: missense variant.
Genome position (GRCh38, 1-based): chr17:31,226,589, T>C. VCF-style: chr17-31226589-T-C. GRCh37 (hg19) VCF-style: chr17-29553607-T-C.
Other names: c.2156T>C, p.Ile719Thr (NM_000267.4); short protein forms I719T.
Identifiers: ClinVar variation 652214 (VCV000652214.13), dbSNP rs754025938, ClinGen allele CA8485917.
Genomic context (GRCh38, chr17:31,226,589, plus strand): 5'-ACACTGAAGCTGTTCTGGTTGCCATGTCCTGTTTCCGCCACCTCTGTGAGGAAGCAGATA[T>C]CCGGTGTGGGGTGGATGAAGTGTCAGTGCATAACCTCTTGCCCAACTATAACACATTCAT-3'
Protein context (NP_001035957.1, residues 709-729): CFRHLCEEAD[Ile719Thr]RCGVDEVSVH